The following is an entry in ClinVar:

NM_000222.3(KIT):c.1668_1686del (p.Gln556_Trp557insTer)

Gene: KIT (KIT proto-oncogene, receptor tyrosine kinase; plus strand). Cytogenetic location: 4q12.
Variant type: Deletion.
Coding change: c.1668_1686del on transcript NM_000222.3 (MANE Select); coding-DNA positions 1668 to 1686, 19 bases deleted (GTGGAAGGTTGTTGAGGAG).
Protein change: p.Gln556_Trp557insTer.
Molecular consequence: frameshift variant.
Genome position (GRCh38, 1-based): chr4:54,727,436-54,727,454, GTGGAAGGTTGTTGAGGAG deleted. VCF-style (leftmost placement, unchanged base first): chr4-54727435-AGTGGAAGGTTGTTGAGGAG-A. GRCh37 (hg19) VCF-style: chr4-55593601-AGTGGAAGGTTGTTGAGGAG-A.
Other names: c.1656_1674del, p.Gln552_Trp553insTer (NM_001093772.2, NM_001385286.1); c.1671_1689del, p.Gln557_Trp558insTer (NM_001385284.1, NM_001385290.1); c.1668_1686del, p.Gln556_Trp557insTer (NM_001385285.1); c.1659_1677del, p.Gln553_Trp554insTer (NM_001385288.1, NM_001385292.1).
Identifiers: ClinVar variation 627640 (VCV000627640.3), dbSNP rs1560417438, ClinGen allele CA913189822.
Genomic context (GRCh38, chr4:54,727,435, plus strand): 5'-AATTATTAAAAGGTGATCTATTTTTCCCTTTCTCCCCACAGAAACCCATGTATGAAGTAC[AGTGGAAGGTTGTTGAGGAG>A]ATAAATGGAAACAATTATGTTTACATAGACCCAACACAACTTCCTTATGATCACAAATGG-3'

ClinVar aggregate classification (germline): Likely pathogenic (1 of 4 stars; one submission).
ClinVar aggregate classification (oncogenicity): Likely oncogenic (0 of 4 stars; one submission).

Conditions:
Gastrointestinal stromal tumor. Also called: Gastrointestinal stromal tumor, somatic; Gastrointestinal stroma tumor. Identifiers: Orphanet 44890, MedGen C0238198, MeSH D046152, MONDO:0011719, OMIM 606764, HP:0100723.

Submissions (2):

Department of Molecular Diagnostics, Institute of Oncology Ljubljana
Classification: Likely pathogenic for Gastrointestinal stromal tumor. Last evaluated: 2019-05-15. Review status: criteria provided, single submitter. Criteria: ACMG Guidelines, 2015. Collection method: clinical testing. Allele origin: somatic. Affected: yes.

National Institute of Cancer Research, National Health Research Institutes
Classification: Likely oncogenic for Gastrointestinal stromal tumor. Review status: no assertion criteria provided. Collection method: research. Allele origin: somatic. Affected: yes. Observed: 2 variant alleles.
Comment: clinical data